The following is an entry in ClinVar:

ClinVar aggregate classification (germline): Likely benign (1 of 4 stars; one submission).

Submission:

Center for Pediatric Genomic Medicine, Children's Mercy Hospital and Clinics
Classification: Likely benign. Last evaluated: 2015-07-08. Review status: criteria provided, single submitter. Criteria: ACMG Guidelines, 2015. Collection method: clinical testing. Allele origin: germline.
ClinVar note: Converted during submission from Likely Benign to Likely benign.

NC_012920.1(MT-ND2):m.4823T>C

Gene: MT-ND2 (mitochondrially encoded NADH dehydrogenase 2; plus strand).
Variant type: single nucleotide variant.
Genome position: chrM-4823-T-C.
Identifiers: ClinVar variation 235544 (VCV000235544.3), dbSNP rs878853062, ClinGen allele CA10581350.